The following is an entry in ClinVar:

ClinVar aggregate classification (germline): Conflicting classifications of pathogenicity. Review status: criteria provided, conflicting classifications (1 of 4 stars). 3 submissions from 3 submitters: Likely pathogenic (1); Uncertain significance (2). Last evaluated 2024-12-26.

Conditions:
Breast-ovarian cancer, familial, susceptibility to, 3. Also called: RAD51C-Related Breast/Ovarian Cancer. Identifiers: Orphanet 145, MedGen C3150659, MONDO:0013253, OMIM 613399.
Fanconi anemia complementation group O. Also called: RAD51C-Related Fanconi Anemia. Identifiers: Orphanet 84, MedGen C3150653, MONDO:0013248, OMIM 613390.
Hereditary cancer-predisposing syndrome. Also called: Tumor predisposition; Hereditary neoplastic syndrome; Hereditary Cancer Syndrome; Neoplastic Syndromes, Hereditary. Identifiers: Orphanet 140162, MedGen C0027672, MeSH D009386, MONDO:0015356.

Submissions (3):

Myriad Genetics, Inc.
Classification: Likely pathogenic for Breast-ovarian cancer, familial, susceptibility to, 3. Last evaluated: 2024-12-26. Review status: criteria provided, single submitter. Criteria: Myriad Autosomal Dominant, Autosomal Recessive and X-Linked Classification Criteria (2023). Collection method: clinical testing. Allele origin: unknown.
Comment: This variant is considered likely pathogenic. Functional studies indicate this variant impacts protein function [PMID: 39299233, 37253112]. This variant is expected to disrupt protein structure [Myriad internal data].

Color Diagnostics, LLC DBA Color Health
Classification: Uncertain significance for Hereditary cancer-predisposing syndrome. Last evaluated: 2024-08-19. Review status: criteria provided, single submitter. Criteria: ACMG Guidelines, 2015. Collection method: clinical testing. Allele origin: germline.
Comment: This missense variant replaces aspartic acid with valine at codon 242 of the RAD51C protein. Computational prediction suggests that this variant may have deleterious impact on protein structure and function. To our knowledge, functional studies have not been reported for this variant. This variant has not been reported in individuals affected with hereditary cancer in the literature. This variant has not been identified in the general population by the Genome Aggregation Database (gnomAD). The available evidence is insufficient to determine the role of this variant in disease conclusively. Therefore, this variant is classified as a Variant of Uncertain Significance.

Labcorp Genetics (formerly Invitae), Labcorp
Classification: Uncertain significance for Fanconi anemia complementation group O. Last evaluated: 2021-08-19. Review status: criteria provided, single submitter. Criteria: Invitae Variant Classification Sherloc (09022015). Collection method: clinical testing. Allele origin: germline.
Comment: This sequence change replaces aspartic acid with valine at codon 242 of the RAD51C protein (p.Asp242Val). The aspartic acid residue is highly conserved and there is a large physicochemical difference between aspartic acid and valine. This variant is not present in population databases (ExAC no frequency). This variant has not been reported in the literature in individuals affected with RAD51C-related conditions. Algorithms developed to predict the effect of missense changes on protein structure and function (SIFT, PolyPhen-2, Align-GVGD) all suggest that this variant is likely to be disruptive. Algorithms developed to predict the effect of sequence changes on RNA splicing suggest that this variant may create or strengthen a splice site. In summary, the available evidence is currently insufficient to determine the role of this variant in disease. Therefore, it has been classified as a Variant of Uncertain Significance.

Literature cited by the submitters: PubMed 39299233 (cited by Myriad Genetics, Inc.); PubMed 37253112 (cited by Myriad Genetics, Inc.).

NM_058216.3(RAD51C):c.725A>T (p.Asp242Val)

Gene: RAD51C (RAD51 paralog C; plus strand). Cytogenetic location: 17q22.
Variant type: single nucleotide variant.
Coding change: c.725A>T on transcript NM_058216.3 (MANE Select); coding-DNA position 725, A replaced by T.
Protein change: p.Asp242Val; replaces aspartic acid 242 with valine.
Molecular consequence: missense variant. On other transcripts: non-coding transcript variant (1).
Genome position (GRCh38, 1-based): chr17:58,709,878, A>T. VCF-style: chr17-58709878-A-T. GRCh37 (hg19) VCF-style: chr17-56787239-A-T.
Other names: short protein forms D242V.
Identifiers: ClinVar variation 1444549 (VCV001444549.9), dbSNP rs2048494505, ClinGen allele CA400353296.